The following is an entry in ClinVar:

ClinVar aggregate classification (germline): Uncertain significance. Review status: criteria provided, multiple submitters, no conflicts (2 of 4 stars). 5 submissions from 4 submitters: Uncertain significance (5). Last evaluated 2025-11-26.

Conditions:
Inborn genetic diseases. Identifiers: MedGen C0950123, MeSH D030342.
Progressive familial intrahepatic cholestasis type 3. Also called: Low Gamma-GT Familial Intrahepatic Cholestasis; MDR3 DEFICIENCY. Identifiers: Orphanet 79305, MedGen C1865643, MONDO:0011214, OMIM 602347.
Cholestasis, intrahepatic, of pregnancy, 3. Identifiers: Orphanet 69665, MedGen C3554241, MONDO:0013995, OMIM 614972.

Allele frequency attached by ClinVar (database versions not stated): gnomAD 0.00005; TOPMed 0.00007; gnomAD exomes 0.00010; ExAC 0.00014; ESP Exome Variant Server 0.00015.
gnomAD v4.1: 154 of 1,613,898 alleles (0.0095%); highest among the groups gnomAD compares: South Asian, 0.037%; no homozygotes.

Submissions (5):

Ambry Genetics
Classification: Uncertain significance for Inborn genetic diseases. Last evaluated: 2025-11-26. Review status: criteria provided, single submitter. Criteria: Ambry Variant Classification Scheme 2023. Collection method: clinical testing. Allele origin: germline.

Labcorp Genetics (formerly Invitae), Labcorp
Classification: Uncertain significance. Last evaluated: 2024-08-22. Review status: criteria provided, single submitter. Criteria: Invitae Variant Classification Sherloc (09022015). Collection method: clinical testing. Allele origin: germline.
Comment: This sequence change replaces threonine, which is neutral and polar, with methionine, which is neutral and non-polar, at codon 1159 of the ABCB4 protein (p.Thr1159Met). This variant is present in population databases (rs145056464, gnomAD 0.03%). This variant has not been reported in the literature in individuals affected with ABCB4-related conditions. ClinVar contains an entry for this variant (Variation ID: 593434). An algorithm developed to predict the effect of missense changes on protein structure and function outputs the following: PolyPhen-2: "Benign". The methionine amino acid residue is found in multiple mammalian species, which suggests that this missense change does not adversely affect protein function. In summary, the available evidence is currently insufficient to determine the role of this variant in disease. Therefore, it has been classified as a Variant of Uncertain Significance.

Eurofins Ntd Llc (ga)
Classification: Uncertain significance. Last evaluated: 2018-04-06. Review status: criteria provided, single submitter. Criteria: EGL ClinVar v180209 classification definitions. Collection method: clinical testing. Allele origin: germline. Observed: 2 variant alleles, 2 heterozygotes.

Illumina Laboratory Services, Illumina
Classification: Uncertain significance for Cholestasis, intrahepatic, of pregnancy, 3. Last evaluated: 2018-01-13. Review status: criteria provided, single submitter. Criteria: ICSL Variant Classification Criteria 13 December 2019. Collection method: clinical testing. Allele origin: germline.

Illumina Laboratory Services, Illumina
Classification: Uncertain significance for Progressive familial intrahepatic cholestasis type 3. Last evaluated: 2018-01-13. Review status: criteria provided, single submitter. Criteria: ICSL Variant Classification Criteria 13 December 2019. Collection method: clinical testing. Allele origin: germline.

NM_000443.4(ABCB4):c.3476C>T (p.Thr1159Met)

Gene: ABCB4 (ATP binding cassette subfamily B member 4; minus strand). Cytogenetic location: 7q21.12.
Variant type: single nucleotide variant.
Coding change: c.3476C>T on transcript NM_000443.4 (MANE Select); coding-DNA position 3476, C replaced by T.
Protein change: p.Thr1159Met; replaces threonine 1159 with methionine.
Molecular consequence: missense variant.
Genome position (GRCh38, 1-based): chr7:87,406,298, G>A on the plus strand (C>T on the coding strand, the complement: ABCB4 is on the minus strand). VCF-style: chr7-87406298-G-A. GRCh37 (hg19) VCF-style: chr7-87035614-G-A.
Other names: c.3497C>T, p.Thr1166Met (NM_018849.3); c.3335C>T, p.Thr1112Met (NM_018850.3); short protein forms T1166M, T1159M, T1112M.
Identifiers: ClinVar variation 593434 (VCV000593434.13), dbSNP rs145056464, ClinGen allele CA4326763.